The following is an entry in ClinVar:

ClinVar aggregate classification (germline): Uncertain significance (1 of 4 stars; one submission).

Conditions:
Dyskeratosis congenita. Identifiers: Orphanet 1775, MedGen C0265965, MONDO:0015780.

Allele frequency attached by ClinVar (database versions not stated): gnomAD exomes below 0.00001; gnomAD 0.00001.
gnomAD v4.1: 7 of 1,612,468 alleles (0.00043%); highest among the groups gnomAD compares: East Asian, 0.0045%; no homozygotes.

Submission:

Labcorp Genetics (formerly Invitae), Labcorp
Classification: Uncertain significance for Dyskeratosis congenita. Last evaluated: 2021-05-05. Review status: criteria provided, single submitter. Criteria: Invitae Variant Classification Sherloc (09022015). Collection method: clinical testing. Allele origin: germline.
Comment: This sequence change replaces arginine with glutamine at codon 396 of the CTC1 protein (p.Arg396Gln). The arginine residue is highly conserved and there is a small physicochemical difference between arginine and glutamine. This variant is not present in population databases (ExAC no frequency). This variant has not been reported in the literature in individuals with CTC1-related conditions. Algorithms developed to predict the effect of missense changes on protein structure and function are either unavailable or do not agree on the potential impact of this missense change (SIFT: "Deleterious"; PolyPhen-2: "Probably Damaging"; Align-GVGD: "Class C0"). In summary, the available evidence is currently insufficient to determine the role of this variant in disease. Therefore, it has been classified as a Variant of Uncertain Significance.

NM_025099.6(CTC1):c.1187G>A (p.Arg396Gln)

Gene: CTC1 (CST telomere replication complex component 1; minus strand). Cytogenetic location: 17p13.1.
Variant type: single nucleotide variant.
Coding change: c.1187G>A on transcript NM_025099.6 (MANE Select); coding-DNA position 1187, G replaced by A.
Protein change: p.Arg396Gln; replaces arginine 396 with glutamine.
Molecular consequence: missense variant. On other transcripts: non-coding transcript variant (1).
Genome position (GRCh38, 1-based): chr17:8,235,850, C>T on the plus strand (G>A on the coding strand, the complement: CTC1 is on the minus strand). VCF-style: chr17-8235850-C-T. GRCh37 (hg19) VCF-style: chr17-8139168-C-T.
Other names: short protein forms R396Q.
Identifiers: ClinVar variation 1433574 (VCV001433574.8), dbSNP rs1478316787, ClinGen allele CA397986618.